The following is an entry in ClinVar:

ClinVar aggregate classification (germline): Uncertain significance. Review status: criteria provided, multiple submitters, no conflicts (2 of 4 stars). 2 submissions from 2 submitters: Uncertain significance (2). Last evaluated 2019-07-20.

Conditions:
Primary ciliary dyskinesia 33. Also called: CILIARY DYSKINESIA, PRIMARY, 33, WITHOUT SITUS INVERSUS. Identifiers: Orphanet 244, MedGen C4225230, MONDO:0014750, OMIM 616726.

Allele frequency attached by ClinVar (database versions not stated): gnomAD 0.00001.
gnomAD v4.1: 18 of 1,578,342 alleles (0.0011%); highest among the groups gnomAD compares: Non-Finnish European, 0.0015%; no homozygotes.

Submissions (2):

Labcorp Genetics (formerly Invitae), Labcorp
Classification: Uncertain significance for Primary ciliary dyskinesia 33. Last evaluated: 2019-07-20. Review status: criteria provided, single submitter. Criteria: Invitae Variant Classification Sherloc (09022015). Collection method: clinical testing. Allele origin: germline.
Comment: In summary, the available evidence is currently insufficient to determine the role of this variant in disease. Therefore, it has been classified as a Variant of Uncertain Significance. Algorithms developed to predict the effect of missense changes on protein structure and function do not agree on the potential impact of this missense change (SIFT: "Deleterious"; PolyPhen-2: "Probably Damaging"; Align-GVGD: "Class C15"). This variant has not been reported in the literature in individuals with GAS8-related disease. This variant is not present in population databases (ExAC no frequency). This sequence change replaces glutamic acid with lysine at codon 88 of the GAS8 protein (p.Glu88Lys). The glutamic acid residue is highly conserved and there is a small physicochemical difference between glutamic acid and lysine.

Breakthrough Genomics
Classification: Uncertain significance. Review status: criteria provided, single submitter. Criteria: ACMG Guidelines, 2015. Collection method: not provided. Allele origin: germline. Inheritance: Autosomal recessive inheritance. Affected: yes.

NM_001481.3(DRC4):c.262G>A (p.Glu88Lys)

Gene: DRC4 (dynein regulatory complex subunit 4; plus strand). Cytogenetic location: 16q24.3.
Variant type: single nucleotide variant.
Coding change: c.262G>A on transcript NM_001481.3 (MANE Select); coding-DNA position 262, G replaced by A.
Protein change: p.Glu88Lys; replaces glutamic acid 88 with lysine.
Molecular consequence: missense variant. On other transcripts: 5 prime UTR variant (1).
Genome position (GRCh38, 1-based): chr16:90,031,470, G>A. VCF-style: chr16-90031470-G-A. GRCh37 (hg19) VCF-style: chr16-90097878-G-A.
Other names: c.13G>A, p.Glu5Lys (NM_001286205.2); c.-260G>A (NM_001286208.2); c.187G>A, p.Glu63Lys (NM_001286209.2); short protein forms E5K, E63K, E88K.
Identifiers: ClinVar variation 960491 (VCV000960491.10), dbSNP rs764346244, ClinGen allele CA397461185.
Genomic context (GRCh38, chr16:90,031,470, plus strand): 5'-AGGCAGCTGGAGGAGAAGAAGGCTGAGCTGCGGAACAAAGACCGGGAGATGGAAGAAGCC[G>A]AGGAGAGGCACCAGGTGGAGATCAAGGTGAGTGGGGCCGGCCTGCACGTGCTAACCTGGT-3'
Protein context (NP_001472.1, residues 78-98): RNKDREMEEA[Glu88Lys]ERHQVEIKVY